The following is an entry in ClinVar:

ClinVar aggregate classification (germline): Likely benign. Review status: criteria provided, multiple submitters, no conflicts (2 of 4 stars). 2 submissions from 2 submitters: Likely benign (2). Last evaluated 2026-02-01.

Conditions:
Neuronopathy, distal hereditary motor, autosomal recessive 4. Also called: Autosomal recessive lower motor neuron disease with childhood onset; NEUROPATHY, DISTAL HEREDITARY MOTOR, AUTOSOMAL RECESSIVE 4. Identifiers: Orphanet 206580, MedGen C1970211, MONDO:0012608, OMIM 611067.
Charcot-Marie-Tooth disease recessive intermediate C. Also called: CHARCOT-MARIE-TOOTH NEUROPATHY, RECESSIVE INTERMEDIATE C. Identifiers: Orphanet 369867, MedGen C3809309, MONDO:0014154, OMIM 615376.

Allele frequency attached by ClinVar (database versions not stated): gnomAD exomes below 0.00001; 1000 Genomes Project 30x 0.00016; 1000 Genomes Project 0.00020.
gnomAD v4.1: 6 of 1,595,040 alleles (0.00038%); highest among the groups gnomAD compares: Non-Finnish European, 0.00051%; no homozygotes.

Submissions (2):

CeGaT Center for Human Genetics Tuebingen
Classification: Likely benign. Last evaluated: 2026-02-01. Review status: criteria provided, single submitter. Criteria: CeGaT Center For Human Genetics Tuebingen Variant Classification Criteria Version 2. Collection method: clinical testing. Allele origin: germline. Affected: yes. Observed: 1 variant allele.
Comment: PLEKHG5: BP4, BP7

Labcorp Genetics (formerly Invitae), Labcorp
Classification: Likely benign for Neuronopathy, distal hereditary motor, autosomal recessive 4; Charcot-Marie-Tooth disease recessive intermediate C. Last evaluated: 2025-07-08. Review status: criteria provided, single submitter. Criteria: Invitae Variant Classification Sherloc (09022015). Collection method: clinical testing. Allele origin: germline.

NM_020631.6(PLEKHG5):c.1626G>T (p.Val542=)

Gene: PLEKHG5 (pleckstrin homology and RhoGEF domain containing G5; minus strand). Cytogenetic location: 1p36.31.
Variant type: single nucleotide variant.
Coding change: c.1626G>T on transcript NM_020631.6 (MANE Select); coding-DNA position 1626, G replaced by T.
Protein change: p.Val542=; no amino-acid change (valine 542 retained).
Molecular consequence: synonymous variant.
Genome position (GRCh38, 1-based): chr1:6,470,560, C>A on the plus strand (G>T on the coding strand, the complement: PLEKHG5 is on the minus strand). VCF-style: chr1-6470560-C-A. GRCh37 (hg19) VCF-style: chr1-6530620-C-A.
Other names: c.1737G>T, p.Val579= (NM_001042663.3, NM_001265592.2); c.1626G>T, p.Val542= (NM_001042664.2, NM_001042665.2, NM_001265594.3 and 1 more transcripts); c.1833G>T, p.Val611= (NM_001265593.2).
Identifiers: ClinVar variation 2934100 (VCV002934100.7), dbSNP rs201699727, ClinGen allele CA561442.